The following is an entry in ClinVar:

NM_014639.4(SKIC3):c.4108C>T (p.Gln1370Ter)

Gene: SKIC3 (SKI3 subunit of superkiller complex; minus strand). Cytogenetic location: 5q15.
Variant type: single nucleotide variant.
Coding change: c.4108C>T on transcript NM_014639.4 (MANE Select); coding-DNA position 4108, C replaced by T.
Protein change: p.Gln1370Ter; replaces glutamine 1370 with a stop codon.
Molecular consequence: nonsense.
Genome position (GRCh38, 1-based): chr5:95,482,577, G>A on the plus strand (C>T on the coding strand, the complement: SKIC3 is on the minus strand). VCF-style: chr5-95482577-G-A. GRCh37 (hg19) VCF-style: chr5-94818281-G-A.
Other names: short protein forms Q1370*.
Identifiers: ClinVar variation 1675180 (VCV001675180.5), dbSNP rs2112237964, ClinGen allele CA360444392.

ClinVar aggregate classification (germline): Pathogenic/Likely pathogenic. Review status: criteria provided, multiple submitters, no conflicts (2 of 4 stars). 2 submissions from 2 submitters: Pathogenic (1); Likely pathogenic (1). Last evaluated 2022-12-22.

Conditions:
Trichohepatoenteric syndrome 1 (THES1). Also called: DIARRHEA, FATAL INFANTILE, WITH TRICHORRHEXIS NODOSA. Identifiers: Orphanet 84064, MedGen C4551982, MONDO:0024541, OMIM 222470.

Allele frequency attached by ClinVar (database versions not stated): gnomAD exomes below 0.00001.
gnomAD v4.1: 4 of 1,613,992 alleles (0.00025%); highest among the groups gnomAD compares: African/African-American, 0.0013%; no homozygotes.

Submissions (2):

Labcorp Genetics (formerly Invitae), Labcorp
Classification: Pathogenic. Last evaluated: 2022-12-22. Review status: criteria provided, single submitter. Criteria: Invitae Variant Classification Sherloc (09022015). Collection method: clinical testing. Allele origin: germline.
Comment: For these reasons, this variant has been classified as Pathogenic. ClinVar contains an entry for this variant (Variation ID: 1675180). This variant has not been reported in the literature in individuals affected with TTC37-related conditions. This variant is not present in population databases (gnomAD no frequency). This sequence change creates a premature translational stop signal (p.Gln1370*) in the TTC37 gene. It is expected to result in an absent or disrupted protein product. Loss-of-function variants in TTC37 are known to be pathogenic (PMID: 20176027, 21120949).

Centre of Medical Genetics, University Hospital Muenster
Classification: Likely pathogenic for Trichohepatoenteric syndrome 1. Last evaluated: 2022-02-11. Review status: criteria provided, single submitter. Criteria: ACMG Guidelines, 2015. Collection method: clinical testing. Allele origin: germline. Affected: yes. Observed: 1 variant allele, 1 heterozygote.
Comment: ACMG categories: PVS1,PM2

Literature cited by the submitters: PubMed 20176027 (cited by Labcorp Genetics (formerly Invitae), Labcorp); PubMed 21120949 (cited by Labcorp Genetics (formerly Invitae), Labcorp).